The following is an entry in ClinVar:

ClinVar aggregate classification (germline): Uncertain significance (1 of 4 stars; one submission).

gnomAD v4.1: 309 of 1,612,538 alleles (0.019%); highest among the groups gnomAD compares: Middle Eastern, 0.033%; no homozygotes.

Submission:

CeGaT Center for Human Genetics Tuebingen
Classification: Uncertain significance. Last evaluated: 2024-10-01. Review status: criteria provided, single submitter. Criteria: CeGaT Center For Human Genetics Tuebingen Variant Classification Criteria Version 2. Collection method: clinical testing. Allele origin: germline. Affected: yes. Observed: 1 variant allele.
Comment: CUX2: PP3, BP5

NM_015267.4(CUX2):c.893G>A (p.Arg298Gln)

Gene: CUX2 (cut like homeobox 2; plus strand). Cytogenetic location: 12q24.12.
Variant type: single nucleotide variant.
Coding change: c.893G>A on transcript NM_015267.4 (MANE Select); coding-DNA position 893, G replaced by A.
Protein change: p.Arg298Gln; replaces arginine 298 with glutamine.
Molecular consequence: missense variant.
Genome position (GRCh38, 1-based): chr12:111,306,955, G>A. VCF-style: chr12-111306955-G-A. GRCh37 (hg19) VCF-style: chr12-111744759-G-A.
Other names: c.707G>A, p.Arg236Gln (NM_001370598.1); short protein forms R236Q, R298Q.
Identifiers: ClinVar variation 3388689 (VCV003388689.14).
Genomic context (GRCh38, chr12:111,306,955, plus strand): 5'-CCCCTCAAAGACCCCTTTGCCTGCAGGATAAGGTGAACTTCACTCTGTGCTCGGGCCCTC[G>A]GCTGGAGGCCGCGCTGGCCTCCAAGGACAGGGAGATCCTGCGGCTGCTGAAGGACGTGCA-3'
Protein context (NP_056082.2, residues 288-308): KVNFTLCSGP[Arg298Gln]LEAALASKDR